The following is an entry in ClinVar:

NM_173598.6(KSR2):c.2347C>G (p.Leu783Val)

Gene: KSR2 (kinase suppressor of ras 2; minus strand). Cytogenetic location: 12q24.22.
Variant type: single nucleotide variant.
Coding change: c.2347C>G on transcript NM_173598.6 (MANE Select); coding-DNA position 2347, C replaced by G.
Protein change: p.Leu783Val; replaces leucine 783 with valine.
Molecular consequence: missense variant.
Genome position (GRCh38, 1-based): chr12:117,484,519, G>C on the plus strand (C>G on the coding strand, the complement: KSR2 is on the minus strand). VCF-style: chr12-117484519-G-C. GRCh37 (hg19) VCF-style: chr12-117922324-G-C.
Other names: short protein forms L783V.
Identifiers: ClinVar variation 3348704 (VCV003348704.1).

ClinVar aggregate classification (germline): Uncertain significance (0 of 4 stars; one submission).

Conditions:
KSR2-related disorder. Also called: KSR2-related condition.

gnomAD v4.1: 1 of 1,613,808 alleles (0.000062%); highest among the groups gnomAD compares: Non-Finnish European, 0.000085%; no homozygotes.

Submission:

PreventionGenetics, part of Exact Sciences
Classification: Uncertain significance for KSR2-related condition. Last evaluated: 2024-03-20. Review status: no assertion criteria provided. Collection method: clinical testing. Allele origin: germline.
Comment: The KSR2 c.2260C>G variant is predicted to result in the amino acid substitution p.Leu754Val. To our knowledge, this variant has not been reported in the literature or in a large population database, indicating this variant is rare. At this time, the clinical significance of this variant is uncertain due to the absence of conclusive functional and genetic evidence.